The following is an entry in ClinVar:

NM_014806.5(RUSC2):c.2764C>G (p.Arg922Gly)

Gene: RUSC2 (RUN and SH3 domain containing 2; plus strand). Cytogenetic location: 9p13.3.
Variant type: single nucleotide variant.
Coding change: c.2764C>G on transcript NM_014806.5 (MANE Select); coding-DNA position 2764, C replaced by G.
Protein change: p.Arg922Gly; replaces arginine 922 with glycine.
Molecular consequence: missense variant. On other transcripts: non-coding transcript variant (1).
Genome position (GRCh38, 1-based): chr9:35,556,059, C>G. VCF-style: chr9-35556059-C-G. GRCh37 (hg19) VCF-style: chr9-35556056-C-G.
Other names: c.2764C>G, p.Arg922Gly (NM_001135999.2); c.130C>G, p.Arg44Gly (NM_001330740.2); short protein forms R922G, R44G.
Identifiers: ClinVar variation 4087961 (VCV004087961.1).

ClinVar aggregate classification (germline): Uncertain significance (1 of 4 stars; one submission).

Submission:

GeneDx
Classification: Uncertain significance. Last evaluated: 2025-03-27. Review status: criteria provided, single submitter. Criteria: GeneDx Variant Classification Process June 2021. Collection method: clinical testing. Allele origin: germline. Affected: yes.
Comment: Not observed at significant frequency in large population cohorts (gnomAD); In silico analysis indicates that this missense variant does not alter protein structure/function; Has not been previously published as pathogenic or benign to our knowledge